The following is an entry in ClinVar:

ClinVar aggregate classification (germline): Uncertain significance (1 of 4 stars; one submission).

Allele frequency attached by ClinVar (database versions not stated): gnomAD exomes below 0.00001; TOPMed below 0.00001; ExAC 0.00001.
gnomAD v4.1: 5 of 1,614,152 alleles (0.00031%); highest among the groups gnomAD compares: South Asian, 0.0022%; no homozygotes.

Submission:

Labcorp Genetics (formerly Invitae), Labcorp
Classification: Uncertain significance. Last evaluated: 2023-06-05. Review status: criteria provided, single submitter. Criteria: Invitae Variant Classification Sherloc (09022015). Collection method: clinical testing. Allele origin: germline.
Comment: In summary, the available evidence is currently insufficient to determine the role of this variant in disease. Therefore, it has been classified as a Variant of Uncertain Significance. Advanced modeling of protein sequence and biophysical properties (such as structural, functional, and spatial information, amino acid conservation, physicochemical variation, residue mobility, and thermodynamic stability) performed at Invitae indicates that this missense variant is not expected to disrupt MTOR protein function. ClinVar contains an entry for this variant (Variation ID: 1442843). This variant has not been reported in the literature in individuals affected with MTOR-related conditions. This variant is present in population databases (rs562084232, gnomAD 0.003%). This sequence change replaces asparagine, which is neutral and polar, with serine, which is neutral and polar, at codon 1760 of the MTOR protein (p.Asn1760Ser).

NM_004958.4(MTOR):c.5279A>G (p.Asn1760Ser)

Gene: MTOR (mechanistic target of rapamycin kinase; minus strand). Cytogenetic location: 1p36.22.
Variant type: single nucleotide variant.
Coding change: c.5279A>G on transcript NM_004958.4 (MANE Select); coding-DNA position 5279, A replaced by G.
Protein change: p.Asn1760Ser; replaces asparagine 1760 with serine.
Molecular consequence: missense variant.
Genome position (GRCh38, 1-based): chr1:11,133,165, T>C on the plus strand (A>G on the coding strand, the complement: MTOR is on the minus strand). VCF-style: chr1-11133165-T-C. GRCh37 (hg19) VCF-style: chr1-11193222-T-C.
Other names: c.5279A>G, p.Asn1760Ser (NM_001386500.1); c.4031A>G, p.Asn1344Ser (NM_001386501.1); short protein forms N1760S, N1344S.
Identifiers: ClinVar variation 1442843 (VCV001442843.6), dbSNP rs562084232, ClinGen allele CA589387.